The following is an entry in ClinVar:

NM_183357.3(ADCY5):c.1108G>A (p.Ala370Thr)

Gene: ADCY5 (adenylate cyclase 5; minus strand). Cytogenetic location: 3q21.1.
Variant type: single nucleotide variant.
Coding change: c.1108G>A on transcript NM_183357.3 (MANE Select); coding-DNA position 1108, G replaced by A.
Protein change: p.Ala370Thr; replaces alanine 370 with threonine.
Molecular consequence: missense variant.
Genome position (GRCh38, 1-based): chr3:123,447,438, C>T on the plus strand (G>A on the coding strand, the complement: ADCY5 is on the minus strand). VCF-style: chr3-123447438-C-T. GRCh37 (hg19) VCF-style: chr3-123166285-C-T.
Other names: c.1108G>A, p.Ala370Thr (NM_001378259.1); short protein forms A370T.
Identifiers: ClinVar variation 2672949 (VCV002672949.23), dbSNP rs745702684, ClinGen allele CA354355944.
Genomic context (GRCh38, chr3:123,447,438, plus strand): 5'-GCAATCCAGTCCCGGTGGCCAGGTCGGCCCCTACCTGCTTCAGCAGGAACTGGTCCTGGG[C>T]GTTGGTGCGCAGGGCGATGGCCAGGTGGAGGGCGGACAGGAGCACCCCGCTGAGCACTGC-3'
Protein context (NP_899200.1, residues 360-380): LHLAIALRTN[Ala370Thr]QDQFLLKQLV

ClinVar aggregate classification (germline): Uncertain significance (1 of 4 stars; one submission).

gnomAD v4.1: 1 of 1,597,918 alleles (0.000063%); highest among the groups gnomAD compares: Non-Finnish European, 0.000085%; no homozygotes.

Submission:

CeGaT Center for Human Genetics Tuebingen
Classification: Uncertain significance. Last evaluated: 2023-11-01. Review status: criteria provided, single submitter. Criteria: CeGaT Center For Human Genetics Tuebingen Variant Classification Criteria Version 2. Collection method: clinical testing. Allele origin: germline. Affected: yes. Observed: 1 variant allele.
Comment: ADCY5: PM2, BP4